The following is an entry in ClinVar:

NM_000059.4(BRCA2):c.8723T>G (p.Val2908Gly)

Gene: BRCA2 (BRCA2 DNA repair associated; plus strand). Cytogenetic location: 13q13.1.
Variant type: single nucleotide variant.
Coding change: c.8723T>G on transcript NM_000059.4 (MANE Select); coding-DNA position 8723, T replaced by G.
Protein change: p.Val2908Gly; replaces valine 2908 with glycine.
Molecular consequence: missense variant.
Genome position (GRCh38, 1-based): chr13:32,376,760, T>G. VCF-style: chr13-32376760-T-G. GRCh37 (hg19) VCF-style: chr13-32950897-T-G.
Other names: V2980G; p.V2908G:GTG>GGG; 8951T>G; short protein forms V2908G.
Identifiers: ClinVar variation 52662 (VCV000052662.77), dbSNP rs28897753, ClinGen allele CA025794.

ClinVar aggregate classification (germline): Conflicting classifications of pathogenicity. Review status: criteria provided, conflicting classifications (1 of 4 stars). 17 submissions from 16 submitters: Uncertain significance (1); Likely benign (12). 4 of the submissions do not count toward it. Last evaluated 2026-08-10.

Conditions:
BRCA2-related disorder. Also called: BRCA2-related condition; BRCA2-related disorders. Identifiers: MedGen CN239275.
Hereditary cancer-predisposing syndrome. Also called: Hereditary Cancer Syndrome; Tumor predisposition; Neoplastic Syndromes, Hereditary; Hereditary neoplastic syndrome. Identifiers: Orphanet 140162, MedGen C0027672, MeSH D009386, MONDO:0015356.
Hereditary breast ovarian cancer syndrome. Also called: Breast and ovarian cancer; BRCA1- and BRCA2-Associated Hereditary Breast and Ovarian Cancer; Hereditary breast and ovarian cancer; Hereditary breast and ovarian cancer syndrome (HBOC); Hereditary breast and ovarian cancer syndrome; Hereditary breast and/or ovarian cancer syndrome. Identifiers: Orphanet 145, MedGen C0677776, MeSH D061325, MONDO:0003582. Disease mechanism: loss of function.
Breast-ovarian cancer, familial, susceptibility to, 2 (BROVCA2). Also called: BRCA2 Hereditary Breast and Ovarian Cancer. Identifiers: Orphanet 145, MedGen C2675520, MONDO:0012933, OMIM 612555. Disease mechanism: loss of function.
Malignant tumor of breast. Also called: Malignant breast neoplasm; Cancer breast. Identifiers: MedGen C0006142, MONDO:0007254. Disease mechanism: loss of function.

Allele frequency attached by ClinVar (database versions not stated): gnomAD exomes 0.00002 and 0.00004; gnomAD 0.00004 and 0.00005; TOPMed 0.00005; ExAC 0.00002.
gnomAD v4.1: 62 of 1,613,964 alleles (0.0038%); highest among the groups gnomAD compares: Non-Finnish European, 0.0052%; no homozygotes.

Submissions 1 to 16 of 17:

PreventionGenetics, part of Exact Sciences
Classification: Likely benign for BRCA2-related condition. Last evaluated: 2026-08-10. Review status: criteria provided, single submitter. Criteria: ACMG Guidelines, 2015. Collection method: clinical testing. Allele origin: germline.
Comment: This variant is classified as likely benign based on ACMG/AMP sequence variant interpretation guidelines (Richards et al. 2015 PMID: 25741868, with internal and published modifications).

CeGaT Center for Human Genetics Tuebingen
Classification: Likely benign. Last evaluated: 2026-02-01. Review status: criteria provided, single submitter. Criteria: CeGaT Center For Human Genetics Tuebingen Variant Classification Criteria Version 2. Collection method: clinical testing. Allele origin: germline. Affected: yes. Observed: 4 variant alleles.
Comment: BRCA2: BP4, BS3:Supporting

Labcorp Genetics (formerly Invitae), Labcorp
Classification: Likely benign for Hereditary breast ovarian cancer syndrome. Last evaluated: 2026-01-20. Review status: criteria provided, single submitter. Criteria: Invitae Variant Classification Sherloc (09022015). Collection method: clinical testing. Allele origin: germline.

Quest Diagnostics Nichols Institute San Juan Capistrano
Classification: Likely benign. Last evaluated: 2025-06-24. Review status: criteria provided, single submitter. Criteria: Quest Diagnostics criteria. Collection method: clinical testing. Allele origin: unknown.

Center for Genomic Medicine, Rigshospitalet, Copenhagen University Hospital
Classification: Likely benign. Last evaluated: 2025-03-04. Review status: criteria provided, single submitter. Criteria: ACMG Guidelines, 2015. Collection method: clinical testing. Allele origin: germline.

Women's Health and Genetics/Laboratory Corporation of America, LabCorp
Classification: Likely benign. Last evaluated: 2025-02-12. Review status: criteria provided, single submitter. Criteria: LabCorp Variant Classification Summary - May 2015. Collection method: clinical testing. Allele origin: germline.
Comment: Variant summary: BRCA2 c.8723T>G (p.Val2908Gly) results in a non-conservative amino acid change located in the BRCA2, OB2 domain of the encoded protein sequence. Four of five in-silico tools predict a damaging effect of the variant on protein function. The variant allele was found at a frequency of 1.6e-05 in 252228 control chromosomes. The available data on variant occurrences in the general population are insufficient to allow any conclusion about variant significance. c.8723T>G has been reported in the literature in individuals affected with Hereditary Breast And Ovarian Cancer Syndrome (e.g., Wu_2005, Farrugia_2008, van Harssel_2010, Konecny_2011, Lee_2008, Przychodzen_2018, Kraemer_2019, Rizzolo_2019, Machackova_2019). However, these reports do not provide unequivocal conclusions about association of the variant with Hereditary Breast And Ovarian Cancer Syndrome. A recent case-control study in breast cancer patients showed that this variant had similar frequency in cases and controls (Dorling_2021, LOVD database). A co-occurrence with another pathogenic variant has also been reported (BRCA1 c.4689C>G, p.Tyr1563X; NHGRI BIC database), providing supporting evidence for a benign role. Multiple publications report experimental evidence evaluating an impact on protein function. These results, which include evidence from HDR assays, showed no damaging effect of this variant (e.g., Wu_2005, Farrugia_2008, Acedo_2014, Guidugli_2018, Hart_2019, Richardson_2021, Hu_2022). A drug sensitivity study showed the variant had a damaging effect on cell viability (e.g., Ikegami_2020), however, it was not clear how this effect may impact cancer pathogenesis. The following publications have been ascertained in the context of this evaluation (PMID: 25382762, 33471991, 18451181, 29394989, 29884841, 35736817, 32444794, 21203900, 31422574, 18284688, 31409081, 29416752, 33609447, 30613976, 15695382, 19949876). ClinVar contains an entry for this variant (Variation ID: 52662). Based on the evidence outlined above, the variant was classified as likely benign.

Institute for Biomarker Research, Medical Diagnostic Laboratories, L.L.C.
Classification: Uncertain significance for Hereditary breast ovarian cancer syndrome. Last evaluated: 2024-09-10. Review status: criteria provided, single submitter. Criteria: ACMG Guidelines, 2015. Collection method: clinical testing. Allele origin: germline.
Comment: The missense variant NM_000059.4(BRCA2):c.8723T>G (p.Val2908Gly) has been reported to ClinVar as Likely benign with a status of (2 stars) criteria provided, multiple submitters, no conflicts (Variation ID 52662 as of 2024-08-01). The p.Val2908Gly variant is observed in 4/113,642 (0.0035%) alleles from individuals of gnomAD Non Finnish European background in gnomAD. The p.Val2908Gly variant is novel (not in any individuals) in 1kG. There is a moderate physicochemical difference between valine and glycine. The gene BRCA2 has a low rate of benign missense variation as indicated by a high missense variants Z-Score of 1.00. The gene BRCA2 contains 146 pathogenic missense variants, indicating that missense variants are a common mechanism of disease in this gene. The p.Val2908Gly missense variant is predicted to be damaging by both SIFT and PolyPhen2. The valine residue at codon 2908 of BRCA2 is conserved in all mammalian species. The nucleotide c.8723 in BRCA2 is predicted conserved by GERP++ and PhyloP across 100 vertebrates. For these reasons, this variant has been classified as Uncertain Significance.

ARUP Laboratories, Molecular Genetics and Genomics, ARUP Laboratories
Classification: Likely benign. Last evaluated: 2023-08-21. Review status: criteria provided, single submitter. Criteria: ARUP Molecular Germline Variant Investigation Process 2024. Collection method: clinical testing. Allele origin: germline.

Ambry Genetics
Classification: Likely benign for Hereditary cancer-predisposing syndrome. Last evaluated: 2018-09-28. Review status: criteria provided, single submitter. Criteria: Ambry Variant Classification Scheme 2023. Collection method: clinical testing. Allele origin: germline.

Institute for Biomarker Research, Medical Diagnostic Laboratories, L.L.C.
Classification: Likely benign for Hereditary cancer-predisposing syndrome. Last evaluated: 2017-07-12. Review status: criteria provided, single submitter. Criteria: ACMG Guidelines, 2015. Collection method: clinical testing. Allele origin: germline.

GeneDx
Classification: Likely benign. Last evaluated: 2017-04-04. Review status: criteria provided, single submitter. Criteria: GeneDx Variant Classification (06012015). Collection method: clinical testing. Allele origin: germline. Affected: yes.
Comment: This variant is considered likely benign or benign based on one or more of the following criteria: it is a conservative change, it occurs at a poorly conserved position in the protein, it is predicted to be benign by multiple in silico algorithms, and/or has population frequency not consistent with disease.

Color Diagnostics, LLC DBA Color Health
Classification: Likely benign for Hereditary cancer-predisposing syndrome. Last evaluated: 2016-05-02. Review status: criteria provided, single submitter. Criteria: ACMG Guidelines, 2015. Collection method: clinical testing. Allele origin: germline.

Molecular Genetics Laboratory, University of Michigan
Classification: Likely benign for Breast-ovarian cancer, familial, susceptibility to, 2. Last evaluated: 2014-11-03. Review status: criteria provided, single submitter. Criteria: ACMG Guidelines, 2015. Collection method: clinical testing. Allele origin: germline. Affected: yes.

Counsyl
Classification: Likely benign for Breast-ovarian cancer, familial 2. Last evaluated: 2014-10-15. Review status: no assertion criteria provided. Collection method: literature only. Allele origin: unknown. Inheritance: Autosomal dominant inheritance. Not counted in ClinVar's aggregate classification.

Sharing Clinical Reports Project (SCRP)
Classification: Likely benign for Breast-ovarian cancer, familial 2. Last evaluated: 2008-10-23. Review status: no assertion criteria provided. Collection method: clinical testing. Allele origin: germline. Not counted in ClinVar's aggregate classification.

Breast Cancer Information Core (BIC) (BRCA2)
Classification: Uncertain significance for Breast-ovarian cancer, familial 2. Last evaluated: 2002-05-29. Review status: no assertion criteria provided. Collection method: clinical testing. Allele origin: germline. Affected: yes. Observed: 8 variant alleles. Not counted in ClinVar's aggregate classification.